The following is an entry in ClinVar:

NM_025074.7(FRAS1):c.1687C>G (p.Gln563Glu)

Gene: FRAS1 (Fraser extracellular matrix complex subunit 1; plus strand). Cytogenetic location: 4q21.21.
Variant type: single nucleotide variant.
Coding change: c.1687C>G on transcript NM_025074.7 (MANE Select); coding-DNA position 1687, C replaced by G.
Protein change: p.Gln563Glu; replaces glutamine 563 with glutamic acid.
Molecular consequence: missense variant.
Genome position (GRCh38, 1-based): chr4:78,315,602, C>G. VCF-style: chr4-78315602-C-G. GRCh37 (hg19) VCF-style: chr4-79236756-C-G.
Other names: c.1687C>G, p.Gln563Glu (NM_001166133.2); short protein forms Q563E.
Identifiers: ClinVar variation 1337652 (VCV001337652.5), dbSNP rs1254192090, ClinGen allele CA357367803.
Genomic context (GRCh38, chr4:78,315,602, plus strand): 5'-CTTCTTTTGCTCACTATTGCCTTTCTCTGATGGGTTTTTTGCCTCCCCTTAGCTTGTGAC[C>G]AATCCTGTGACAGTTGTGGCCCCAGTAGCCCCAGGTGTCTTACCTGTACTGAGAAGACAG-3'
Protein context (NP_079350.5, residues 553-573): NRQGTCSACD[Gln563Glu]SCDSCGPSSP

ClinVar aggregate classification (germline): Uncertain significance. Review status: criteria provided, multiple submitters, no conflicts (2 of 4 stars). 2 submissions from 2 submitters: Uncertain significance (2). Last evaluated 2024-04-18.

Conditions:
Fraser syndrome 1 (FRASRS1). Also called: CRYPTOPHTHALMOS WITH OTHER MALFORMATIONS. Identifiers: Orphanet 2052, MedGen C4551480, MONDO:0054737, OMIM 219000.

Allele frequency attached by ClinVar (database versions not stated): TOPMed below 0.00001; gnomAD 0.00001; gnomAD exomes 0.00002.
gnomAD v4.1: 26 of 1,610,148 alleles (0.0016%); highest among the groups gnomAD compares: Non-Finnish European, 0.0021%; no homozygotes.

Submissions (2):

Fulgent Genetics
Classification: Uncertain significance for Fraser syndrome 1. Last evaluated: 2024-04-18. Review status: criteria provided, single submitter. Criteria: ACMG Guidelines, 2015. Collection method: clinical testing. Allele origin: germline.

Genetic Services Laboratory, University of Chicago
Classification: Uncertain significance. Last evaluated: 2020-07-09. Review status: criteria provided, single submitter. Criteria: ACMG Guidelines, 2015. Collection method: clinical testing. Allele origin: germline. Affected: no.
Comment: DNA sequence analysis of the FRAS1 gene demonstrated a sequence change, c.1687C>G, in exon 16 that results in an amino acid change, p.Gln563Glu. This sequence change does not appear to have been previously described in patients with FRAS1-related disorders and has also not been described in the large population databases such as ExAC and gnomAD (dbSNP rs1254192090). The p.Gln563Glu change affects a moderately conserved amino acid residue located in a domain of the FRAS1 protein that is known to be functional. The p.Gln563Glu substitution appears to be benign using several in-silico pathogenicity prediction tools (SIFT, PolyPhen2, Align GVGD, REVEL). Due to these contrasting evidences and the lack of functional studies, the clinical significance of the p.Gln563Glu change remains unknown at this time.